The following is an entry in ClinVar:

ClinVar aggregate classification (germline): Likely benign. Review status: criteria provided, multiple submitters, no conflicts (2 of 4 stars). 3 submissions from 3 submitters: Likely benign (3). Last evaluated 2026-01-05.

Conditions:
Baller-Gerold syndrome (BGS). Also called: CRANIOSYNOSTOSIS WITH RADIAL DEFECTS. Identifiers: Orphanet 1225, MedGen C0265308, MONDO:0009039, OMIM 218600.

Allele frequency attached by ClinVar (database versions not stated): ExAC 0.00003; gnomAD exomes 0.00003 and 0.00004; gnomAD 0.00006 and 0.00007; TOPMed 0.00008; 1000 Genomes Project 30x 0.00016; 1000 Genomes Project 0.00020.
gnomAD v4.1: 66 of 1,611,942 alleles (0.0041%); highest among the groups gnomAD compares: African/African-American, 0.012%; no homozygotes.

Submissions (3):

Labcorp Genetics (formerly Invitae), Labcorp
Classification: Likely benign for Baller-Gerold syndrome. Last evaluated: 2026-01-05. Review status: criteria provided, single submitter. Criteria: Invitae Variant Classification Sherloc (09022015). Collection method: clinical testing. Allele origin: germline.

Mayo Clinic Laboratories, Mayo Clinic
Classification: Likely benign. Last evaluated: 2025-06-05. Review status: criteria provided, single submitter. Criteria: ACMG Guidelines, 2015. Collection method: clinical testing. Allele origin: germline. Observed: 1 variant allele.
Comment: BP4, BP7

Blueprint Genetics
Classification: Likely benign. Last evaluated: 2022-04-07. Review status: criteria provided, single submitter. Criteria: ACMG Guidelines, 2015. Collection method: clinical testing. Allele origin: germline.

NM_004260.4(RECQL4):c.2885+9G>A

Gene: RECQL4 (RecQ like helicase 4; minus strand). Cytogenetic location: 8q24.3.
Variant type: single nucleotide variant.
Coding change: c.2885+9G>A on transcript NM_004260.4 (MANE Select); 9 bases into the intron after coding-DNA position 2885, G replaced by A.
Molecular consequence: intron variant.
Genome position (GRCh38, 1-based): chr8:144,512,633, C>T on the plus strand (G>A on the coding strand, the complement: RECQL4 is on the minus strand). VCF-style: chr8-144512633-C-T. GRCh37 (hg19) VCF-style: chr8-145738016-C-T.
Other names: p.?.
Identifiers: ClinVar variation 239750 (VCV000239750.13), dbSNP rs578139954, ClinGen allele CA4948037.